The following is an entry in ClinVar:

ClinVar aggregate classification (germline): Uncertain significance (1 of 4 stars; one submission).

Conditions:
Menkes kinky-hair syndrome (MNK). Also called: Copper transport disease; Menkes Disease; Classic Menkes Disease. Identifiers: Orphanet 565, MedGen C0022716, MONDO:0010651, OMIM 309400.
Cutis laxa, X-linked (OHS). Also called: EDS IX; Occipital horn syndrome. Identifiers: Orphanet 198, MedGen C0268353, MONDO:0010572, OMIM 304150.
X-linked distal spinal muscular atrophy type 3. Also called: ATP7A-Related Distal Motor Neuropathy; SPINAL MUSCULAR ATROPHY, DISTAL, X-LINKED RECESSIVE; NEURONOPATHY, DISTAL HEREDITARY MOTOR, X-LINKED; NEUROPATHY, DISTAL HEREDITARY MOTOR, X-LINKED. Identifiers: Orphanet 139557, MedGen C1845359, MONDO:0010338, OMIM 300489.

Submission:

Labcorp Genetics (formerly Invitae), Labcorp
Classification: Uncertain significance for X-linked distal spinal muscular atrophy type 3; Cutis laxa, X-linked; Menkes kinky-hair syndrome. Last evaluated: 2023-06-06. Review status: criteria provided, single submitter. Criteria: Invitae Variant Classification Sherloc (09022015). Collection method: clinical testing. Allele origin: germline.
Comment: This sequence change replaces phenylalanine, which is neutral and non-polar, with leucine, which is neutral and non-polar, at codon 1111 of the ATP7A protein (p.Phe1111Leu). This variant is not present in population databases (gnomAD no frequency). This variant has not been reported in the literature in individuals affected with ATP7A-related conditions. Advanced modeling of protein sequence and biophysical properties (such as structural, functional, and spatial information, amino acid conservation, physicochemical variation, residue mobility, and thermodynamic stability) has been performed at Invitae for this missense variant, however the output from this modeling did not meet the statistical confidence thresholds required to predict the impact of this variant on ATP7A protein function. In summary, the available evidence is currently insufficient to determine the role of this variant in disease. Therefore, it has been classified as a Variant of Uncertain Significance.

NM_000052.7(ATP7A):c.3333C>A (p.Phe1111Leu)

Gene: ATP7A (ATPase copper transporting alpha; plus strand). Cytogenetic location: Xq21.1.
Variant type: single nucleotide variant.
Coding change: c.3333C>A on transcript NM_000052.7 (MANE Select); coding-DNA position 3333, C replaced by A.
Protein change: p.Phe1111Leu; replaces phenylalanine 1111 with leucine.
Molecular consequence: missense variant. On other transcripts: non-coding transcript variant (1).
Genome position (GRCh38, 1-based): chrX:78,033,643, C>A. VCF-style: chrX-78033643-C-A. GRCh37 (hg19) VCF-style: chrX-77289141-C-A.
Other names: c.3099C>A, p.Phe1033Leu (NM_001282224.2); short protein forms F1033L, F1111L.
Identifiers: ClinVar variation 2946102 (VCV002946102.3), dbSNP rs2522401120, ClinGen allele CA413603924.